The following is an entry in ClinVar:

ClinVar aggregate classification (germline): Pathogenic. Review status: criteria provided, multiple submitters, no conflicts (2 of 4 stars). 2 submissions from 2 submitters: Pathogenic (2). Last evaluated 2025-03-09.

Conditions:
Arrhythmogenic cardiomyopathy with wooly hair and keratoderma. Also called: Carvajal syndrome; Dilated cardiomyopathy with woolly hair and keratoderma; Arrhythmogenic cardiomyopathy with woolly hair and keratoderma; PALMOPLANTAR KERATODERMA WITH LEFT VENTRICULAR CARDIOMYOPATHY AND WOOLLY HAIR. Identifiers: Orphanet 65282, MedGen C1854063, MONDO:0011581, OMIM 605676.
Arrhythmogenic right ventricular dysplasia 8 (ARVD8). Also called: Arrhythmogenic Right Ventricular Dysplasia/Cardiomyopathy 8; ARRHYTHMOGENIC RIGHT VENTRICULAR CARDIOMYOPATHY 8; ARRHYTHMOGENIC RIGHT VENTRICULAR DYSPLASIA, FAMILIAL, 8. Identifiers: MedGen C1843896, MONDO:0011831, OMIM 607450.

Submissions (2):

Labcorp Genetics (formerly Invitae), Labcorp
Classification: Pathogenic for Arrhythmogenic cardiomyopathy with wooly hair and keratoderma; Arrhythmogenic right ventricular dysplasia 8. Last evaluated: 2025-03-09. Review status: criteria provided, single submitter. Criteria: Invitae Variant Classification Sherloc (09022015). Collection method: clinical testing. Allele origin: germline.
Comment: This sequence change creates a premature translational stop signal (p.Ser957*) in the DSP gene. It is expected to result in an absent or disrupted protein product. Loss-of-function variants in DSP are known to be pathogenic (PMID: 20716751, 24503780, 25227139). This variant is not present in population databases (gnomAD no frequency). This variant has not been reported in the literature in individuals affected with DSP-related conditions. For these reasons, this variant has been classified as Pathogenic.

GeneDx
Classification: Pathogenic. Last evaluated: 2015-04-02. Review status: criteria provided, single submitter. Criteria: GeneDx Variant Classification (06012015). Collection method: clinical testing. Allele origin: germline. Affected: yes.
Comment: Although the c.2870_2874delCAATT mutation in the DSP gene has not been reported to our knowledge. This mutation causes a premature Stop codon at position 957, denoted p.Ser957Stop. This mutation is expected to result in either an abnormal, truncated protein product or loss of protein from this allele through nonsense-mediated mRNA decay. Other frameshift mutations in the DSP gene have been reported in association with cardiomyopathy. In summary, c.2870_2874delCAATT in the DSP gene is interpreted as a disease-causing mutation.

Literature cited by the submitters: PubMed 20716751 (cited by Labcorp Genetics (formerly Invitae), Labcorp); PubMed 24503780 (cited by Labcorp Genetics (formerly Invitae), Labcorp); PubMed 25227139 (cited by Labcorp Genetics (formerly Invitae), Labcorp).

NM_004415.4(DSP):c.2870_2874del (p.Asn956_Ser957insTer)

Gene: DSP (desmoplakin; plus strand). Cytogenetic location: 6p24.3.
Variant type: Microsatellite.
Coding change: c.2870_2874del on transcript NM_004415.4 (MANE Select); coding-DNA positions 2870 to 2874, 5 bases deleted (CAATT; older notation c.2870_2874delCAATT).
Protein change: p.Asn956_Ser957insTer.
Molecular consequence: nonsense.
Genome position (GRCh38, 1-based): chr6:7,577,035-7,577,039, CAATT deleted; deleting any 5 consecutive bases within chr6:7,577,030-7,577,039 gives the same sequence; the c. name uses the placement nearest the transcript's 3' end. VCF-style (leftmost placement, unchanged base first): chr6-7577029-CCAATT-C. GRCh37 (hg19) VCF-style: chr6-7577262-CCAATT-C.
Other names: c.2870_2874del, p.Asn956_Ser957insTer (NM_001008844.3, NM_001319034.2).
Identifiers: ClinVar variation 199918 (VCV000199918.12), dbSNP rs794728139, ClinGen allele CA005670.
Genomic context (GRCh38, chr6:7,577,029, plus strand): 5'-GTGAAATATCTGGCAAACGAGACAAATCAGAGGAAGTACAAAAAATTGCTGAACTTTGCG[CCAATT>C]CAATTAAGGTATGTTGGTTTCATAAAGAATGTTGGTATTTCACCAAGATTATTATTAACT-3'